The following is an entry in ClinVar:

NM_000350.3(ABCA4):c.3028C>T (p.Gln1010Ter)

Gene: ABCA4 (ATP binding cassette subfamily A member 4; minus strand). Cytogenetic location: 1p22.1.
Variant type: single nucleotide variant.
Coding change: c.3028C>T on transcript NM_000350.3 (MANE Select); coding-DNA position 3028, C replaced by T.
Protein change: p.Gln1010Ter; replaces glutamine 1010 with a stop codon.
Molecular consequence: nonsense.
Genome position (GRCh38, 1-based): chr1:94,044,635, G>A on the plus strand (C>T on the coding strand, the complement: ABCA4 is on the minus strand). VCF-style: chr1-94044635-G-A. GRCh37 (hg19) VCF-style: chr1-94510191-G-A.
Other names: c.2806C>T, p.Gln936Ter (NM_001425324.1); short protein forms Q1010*, Q936*.
Identifiers: ClinVar variation 1074332 (VCV001074332.8), dbSNP rs1660619835, ClinGen allele CA341275062.
Genomic context (GRCh38, chr1:94,044,635, plus strand): 5'-AGAGGGGATGGGGCGGTCTCAGTTCCTGTGTCGCTTACTGGTGGAACAGGATGTTGTGCT[G>A]TGGACACATGCCAAGGCTCTGCCGGACTGCATCCAGGCTGGTTTCAATGTCCCTTCCCCC-3'

ClinVar aggregate classification (germline): Pathogenic (1 of 4 stars; one submission).

Allele frequency attached by ClinVar (database versions not stated): TOPMed below 0.00001.

Submission:

Labcorp Genetics (formerly Invitae), Labcorp
Classification: Pathogenic. Last evaluated: 2023-08-16. Review status: criteria provided, single submitter. Criteria: Invitae Variant Classification Sherloc (09022015). Collection method: clinical testing. Allele origin: germline.
Comment: For these reasons, this variant has been classified as Pathogenic. Algorithms developed to predict the effect of sequence changes on RNA splicing suggest that this variant may disrupt the consensus splice site. ClinVar contains an entry for this variant (Variation ID: 1074332). This variant has not been reported in the literature in individuals affected with ABCA4-related conditions. This variant is not present in population databases (gnomAD no frequency). This sequence change creates a premature translational stop signal (p.Gln1010*) in the ABCA4 gene. It is expected to result in an absent or disrupted protein product. Loss-of-function variants in ABCA4 are known to be pathogenic (PMID: 10958761, 24938718, 25312043, 26780318).

Literature cited by the submitters: PubMed 10958761; PubMed 24938718; PubMed 25312043; PubMed 26780318.